The following is an entry in ClinVar:

ClinVar aggregate classification (germline): Benign. Review status: reviewed by expert panel (3 of 4 stars). 2 submissions from 2 submitters: Benign (1). 1 of the submissions does not count toward it. Last evaluated 2015-01-12.

Conditions:
Breast-ovarian cancer, familial, susceptibility to, 2 (BROVCA2). Also called: BRCA2 Hereditary Breast and Ovarian Cancer. Identifiers: Orphanet 145, MedGen C2675520, MONDO:0012933, OMIM 612555. Disease mechanism: loss of function.

Allele frequency attached by ClinVar (database versions not stated): 1000 Genomes Project 0.00779; 1000 Genomes Project 30x 0.00828; gnomAD 0.00870 and 0.00954; TOPMed 0.00962.
gnomAD v4.1: 1,310 of 152,316 alleles (0.86%); highest among the groups gnomAD compares: African/African-American, 3%; 17 homozygotes.

Submissions (2):

Evidence-based Network for the Interpretation of Germline Mutant Alleles (ENIGMA)
Classification: Benign for Breast-ovarian cancer, familial 2. Last evaluated: 2015-01-12. Review status: reviewed by expert panel. Criteria: ENIGMA BRCA1/2 Classification Criteria (2015). Collection method: curation. Allele origin: germline.
Comment: Class 1 not pathogenic based on frequency >1% in an outbred sampleset. Frequency 0.01423 (African), derived from 1000 genomes (2012-04-30).

GeneDx
Classification: Likely benign. Last evaluated: 2019-06-15. Review status: criteria provided, single submitter. Criteria: GeneDx Variant Classification Process June 2021. Collection method: clinical testing. Allele origin: germline. Affected: yes. Not counted in ClinVar's aggregate classification.

NM_000059.4(BRCA2):c.67+1102T>C

Gene: BRCA2 (BRCA2 DNA repair associated; plus strand). Cytogenetic location: 13q13.1.
Variant type: single nucleotide variant.
Coding change: c.67+1102T>C on transcript NM_000059.4 (MANE Select); 1102 bases into the intron after coding-DNA position 67, T replaced by C.
Molecular consequence: intron variant.
Genome position (GRCh38, 1-based): chr13:32,317,629, T>C. VCF-style: chr13-32317629-T-C. GRCh37 (hg19) VCF-style: chr13-32891766-T-C.
Other names: IVS 2+1102T>C.
Identifiers: ClinVar variation 209608 (VCV000209608.3), dbSNP rs11571578, ClinGen allele CA276577.
Genomic context (GRCh38, chr13:32,317,629, plus strand): 5'-AGTGATTATTTGGAAGATAGTGGTGTTCTGAATTATACAAAGTTTCCAAATATTGATAAA[T>C]TGCATTAAACTATTTTAAAAATCTCATTCATTAATACCACCATGGATGTCAGAAAAGTCT-3'